The following is an entry in ClinVar:

ClinVar aggregate classification (germline): Uncertain significance (1 of 4 stars; one submission).

Conditions:
Hereditary cancer-predisposing syndrome. Also called: Tumor predisposition; Hereditary Cancer Syndrome; Hereditary neoplastic syndrome; Neoplastic Syndromes, Hereditary. Identifiers: Orphanet 140162, MedGen C0027672, MeSH D009386, MONDO:0015356.

gnomAD v4.1: 3 of 1,587,914 alleles (0.00019%); highest among the groups gnomAD compares: Non-Finnish European, 0.00017%; no homozygotes.

Submission:

Ambry Genetics
Classification: Uncertain significance for Hereditary cancer-predisposing syndrome. Last evaluated: 2024-05-22. Review status: criteria provided, single submitter. Criteria: Ambry Variant Classification Scheme 2023. Collection method: clinical testing. Allele origin: germline.
Comment: The p.T17A variant (also known as c.49A>G), located in coding exon 1 of the EPCAM gene, results from an A to G substitution at nucleotide position 49. The threonine at codon 17 is replaced by alanine, an amino acid with similar properties. This amino acid position is conserved. In addition, this alteration is predicted to be tolerated by in silico analysis. Based on the available evidence, the clinical significance of this variant remains unclear.

NM_002354.3(EPCAM):c.49A>G (p.Thr17Ala)

Gene: EPCAM (epithelial cell adhesion molecule; plus strand). Cytogenetic location: 2p21.
Variant type: single nucleotide variant.
Coding change: c.49A>G on transcript NM_002354.3 (MANE Select); coding-DNA position 49, A replaced by G.
Protein change: p.Thr17Ala; replaces threonine 17 with alanine.
Molecular consequence: missense variant.
Genome position (GRCh38, 1-based): chr2:47,369,554, A>G. VCF-style: chr2-47369554-A-G. GRCh37 (hg19) VCF-style: chr2-47596693-A-G.
Other names: short protein forms T17A.
Identifiers: ClinVar variation 3275814 (VCV003275814.1).